The following is an entry in ClinVar:

ClinVar aggregate classification (germline): Likely benign. Review status: criteria provided, multiple submitters, no conflicts (2 of 4 stars). 4 submissions from 4 submitters: Likely benign (4). Last evaluated 2025-09-16.

Conditions:
Hereditary cancer-predisposing syndrome. Also called: Neoplastic Syndromes, Hereditary; Tumor predisposition; Hereditary neoplastic syndrome; Hereditary Cancer Syndrome. Identifiers: Orphanet 140162, MedGen C0027672, MeSH D009386, MONDO:0015356.
Hereditary breast ovarian cancer syndrome. Also called: BRCA1- and BRCA2-Associated Hereditary Breast and Ovarian Cancer; Hereditary breast and/or ovarian cancer syndrome; Hereditary breast and ovarian cancer syndrome (HBOC); Breast and ovarian cancer; Hereditary breast and ovarian cancer; Hereditary breast and ovarian cancer syndrome. Identifiers: Orphanet 145, MedGen C0677776, MeSH D061325, MONDO:0003582. Disease mechanism: loss of function.

Allele frequency attached by ClinVar (database versions not stated): gnomAD exomes below 0.00001; gnomAD 0.00001.
gnomAD v4.1: 2 of 1,608,482 alleles (0.00012%); highest among the groups gnomAD compares: African/African-American, 0.0027%; no homozygotes.

Submissions (4):

Labcorp Genetics (formerly Invitae), Labcorp
Classification: Likely benign for Hereditary breast ovarian cancer syndrome. Last evaluated: 2025-09-16. Review status: criteria provided, single submitter. Criteria: Invitae Variant Classification Sherloc (09022015). Collection method: clinical testing. Allele origin: germline.

Women's Health and Genetics/Laboratory Corporation of America, LabCorp
Classification: Likely benign. Last evaluated: 2024-12-29. Review status: criteria provided, single submitter. Criteria: LabCorp Variant Classification Summary - May 2015. Collection method: clinical testing. Allele origin: germline.

Ambry Genetics
Classification: Likely benign for Hereditary cancer-predisposing syndrome. Last evaluated: 2022-08-13. Review status: criteria provided, single submitter. Criteria: Ambry Variant Classification Scheme 2023. Collection method: clinical testing. Allele origin: germline.

GeneDx
Classification: Likely benign. Last evaluated: 2018-04-12. Review status: criteria provided, single submitter. Criteria: GeneDx Variant Classification (06012015). Collection method: clinical testing. Allele origin: germline. Affected: yes.
Comment: This variant is considered likely benign or benign based on one or more of the following criteria: it is a conservative change, it occurs at a poorly conserved position in the protein, it is predicted to be benign by multiple in silico algorithms, and/or has population frequency not consistent with disease.

NM_000059.4(BRCA2):c.1290C>T (p.Asp430=)

Gene: BRCA2 (BRCA2 DNA repair associated; plus strand). Cytogenetic location: 13q13.1.
Variant type: single nucleotide variant.
Coding change: c.1290C>T on transcript NM_000059.4 (MANE Select); coding-DNA position 1290, C replaced by T.
Protein change: p.Asp430=; no amino-acid change (aspartic acid 430 retained).
Molecular consequence: synonymous variant.
Genome position (GRCh38, 1-based): chr13:32,332,768, C>T. VCF-style: chr13-32332768-C-T. GRCh37 (hg19) VCF-style: chr13-32906905-C-T.
Identifiers: ClinVar variation 678923 (VCV000678923.15), dbSNP rs1250045630, ClinGen allele CA483436631.